The following is an entry in ClinVar:

NM_005585.5(SMAD6):c.259G>A (p.Gly87Arg)

Gene: SMAD6 (SMAD family member 6; plus strand). Cytogenetic location: 15q22.31.
Variant type: single nucleotide variant.
Coding change: c.259G>A on transcript NM_005585.5 (MANE Select); coding-DNA position 259, G replaced by A.
Protein change: p.Gly87Arg; replaces glycine 87 with arginine.
Molecular consequence: missense variant. On other transcripts: non-coding transcript variant (1).
Genome position (GRCh38, 1-based): chr15:66,703,517, G>A. VCF-style: chr15-66703517-G-A. GRCh37 (hg19) VCF-style: chr15-66995855-G-A.
Other names: short protein forms G87R.
Identifiers: ClinVar variation 1793621 (VCV001793621.2), dbSNP rs1422119769, ClinGen allele CA392949078.

ClinVar aggregate classification (germline): Uncertain significance (1 of 4 stars; one submission).

Conditions:
Inborn genetic diseases. Identifiers: MedGen C0950123, MeSH D030342.

Submission:

Ambry Genetics
Classification: Uncertain significance for Inborn genetic diseases. Last evaluated: 2022-06-02. Review status: criteria provided, single submitter. Criteria: Ambry Variant Classification Scheme 2023. Collection method: clinical testing. Allele origin: germline.
Comment: The p.G87R variant (also known as c.259G>A), located in coding exon 1 of the SMAD6 gene, results from a G to A substitution at nucleotide position 259. The glycine at codon 87 is replaced by arginine, an amino acid with dissimilar properties. This amino acid position is conserved. In addition, this alteration is predicted to be tolerated by in silico analysis. Since supporting evidence is limited at this time, the clinical significance of this alteration remains unclear.